The following is an entry in ClinVar:

NM_001111.5(ADAR):c.929dup (p.Ser311fs)

Gene: ADAR (adenosine deaminase RNA specific; minus strand). Cytogenetic location: 1q21.3.
Variant type: Duplication.
Coding change: c.929dup on transcript NM_001111.5 (MANE Select); coding-DNA position 929, one base duplicated (T; older notation c.929dupT).
Protein change: p.Ser311fs; shifts the reading frame from serine 311.
Molecular consequence: frameshift variant.
Genome position (GRCh38, 1-based): chr1:154,601,713, A duplicated on the plus strand (T on the coding strand, the reverse complement: ADAR is on the minus strand). VCF-style (leftmost placement, unchanged base first): chr1-154601712-C-CA. GRCh37 (hg19) VCF-style: chr1-154574188-C-CA.
Other names: c.44dup, p.Ser16fs (NM_001025107.3, NM_001193495.2, NM_001365046.1 and 3 more transcripts); c.956dup, p.Ser320fs (NM_001365045.1); c.929dup, p.Ser311fs (NM_015840.4, NM_015841.4); short protein forms S311fs, S320fs, S16fs.
Identifiers: ClinVar variation 1458191 (VCV001458191.6), dbSNP rs2101641171, ClinGen allele CA2573131081.

ClinVar aggregate classification (germline): Pathogenic (1 of 4 stars; one submission).

Conditions:
Aicardi-Goutieres syndrome 6 (AGS6). Identifiers: Orphanet 51, MedGen C3539013, MONDO:0014007, OMIM 615010.
Symmetrical dyschromatosis of extremities (DSH). Also called: Dyschromatosis symmetrica hereditaria; RETICULATE ACROPIGMENTATION OF DOHI; SYMMETRIC DYSCHROMATOSIS OF THE EXTREMITIES; DYSCHROMATOSIS SYMMETRICA HEREDITARIA 1. Identifiers: Orphanet 41, MedGen C0406775, MONDO:0007483, OMIM 127400.

Submission:

Labcorp Genetics (formerly Invitae), Labcorp
Classification: Pathogenic for Aicardi-Goutieres syndrome 6; Symmetrical dyschromatosis of extremities. Last evaluated: 2021-05-07. Review status: criteria provided, single submitter. Criteria: Invitae Variant Classification Sherloc (09022015). Collection method: clinical testing. Allele origin: germline.
Comment: For these reasons, this variant has been classified as Pathogenic. This variant has not been reported in the literature in individuals with ADAR-related conditions. This variant is not present in population databases (ExAC no frequency). This sequence change creates a premature translational stop signal (p.Ser311Valfs*2) in the ADAR gene. It is expected to result in an absent or disrupted protein product. Loss-of-function variants in ADAR are known to be pathogenic (PMID: 22974014).

Literature cited by the submitters: PubMed 22974014.